The following is an entry in ClinVar:

NM_017617.5(NOTCH1):c.2352C>T (p.Ser784=)

Gene: NOTCH1 (notch receptor 1; minus strand). Cytogenetic location: 9q34.3.
Variant type: single nucleotide variant.
Coding change: c.2352C>T on transcript NM_017617.5 (MANE Select); coding-DNA position 2352, C replaced by T.
Protein change: p.Ser784=; no amino-acid change (serine 784 retained).
Molecular consequence: synonymous variant.
Genome position (GRCh38, 1-based): chr9:136,513,393, G>A on the plus strand (C>T on the coding strand, the complement: NOTCH1 is on the minus strand). VCF-style: chr9-136513393-G-A. GRCh37 (hg19) VCF-style: chr9-139407845-G-A.
Other names: c.2352C>T, p.Ser784= (LRG_1122t1).
Identifiers: ClinVar variation 477897 (VCV000477897.12), dbSNP rs774701000, ClinGen allele CA5341408.

ClinVar aggregate classification (germline): Conflicting classifications of pathogenicity. Review status: criteria provided, conflicting classifications (1 of 4 stars). 4 submissions from 4 submitters: Uncertain significance (1); Likely benign (3). Last evaluated 2026-01-12.

Conditions:
Adams-Oliver syndrome 5 (AOS5). Identifiers: Orphanet 974, MedGen C4014970, MONDO:0014459, OMIM 616028.
Familial thoracic aortic aneurysm and aortic dissection (TAAD). Also called: Thoracic aortic aneurysms and dissections. Identifiers: Orphanet 91387, MedGen C4707243, MONDO:0019625.

Allele frequency attached by ClinVar (database versions not stated): ExAC 0.00006; gnomAD exomes 0.00006 and 0.00009; gnomAD 0.00009 and 0.00011; TOPMed 0.00011; 1000 Genomes Project 30x 0.00016.
gnomAD v4.1: 146 of 1,612,788 alleles (0.0091%); highest among the groups gnomAD compares: Admixed American, 0.018%; no homozygotes.

Submissions (4):

Labcorp Genetics (formerly Invitae), Labcorp
Classification: Uncertain significance for Adams-Oliver syndrome 5. Last evaluated: 2026-01-12. Review status: criteria provided, single submitter. Criteria: Invitae Variant Classification Sherloc (09022015). Collection method: clinical testing. Allele origin: germline.
Comment: This sequence change affects codon 784 of the NOTCH1 mRNA. It is a 'silent' change, meaning that it does not change the encoded amino acid sequence of the NOTCH1 protein. It affects a nucleotide within the consensus splice site. This variant is present in population databases (rs774701000, gnomAD 0.02%). This variant has been observed in individual(s) with bicuspid aortic valve-associated thoracic aortic aneurysm (PMID: 28659821). ClinVar contains an entry for this variant (Variation ID: 477897). Algorithms developed to predict the effect of sequence changes on RNA splicing suggest that this variant is not likely to affect RNA splicing. In summary, the available evidence is currently insufficient to determine the role of this variant in disease. Therefore, it has been classified as a Variant of Uncertain Significance.

ARUP Laboratories, Molecular Genetics and Genomics, ARUP Laboratories
Classification: Likely benign. Last evaluated: 2023-02-21. Review status: criteria provided, single submitter. Criteria: ARUP Molecular Germline Variant Investigation Process 2024. Collection method: clinical testing. Allele origin: germline.

GeneDx
Classification: Likely benign. Last evaluated: 2019-07-05. Review status: criteria provided, single submitter. Criteria: GeneDx Variant Classification Process June 2021. Collection method: clinical testing. Allele origin: germline. Affected: yes.

Ambry Genetics
Classification: Likely benign for Familial thoracic aortic aneurysm and aortic dissection. Last evaluated: 2017-10-26. Review status: criteria provided, single submitter. Criteria: Ambry Variant Classification Scheme 2023. Collection method: clinical testing. Allele origin: germline.

Literature cited by the submitters: PubMed 28659821 (cited by Labcorp Genetics (formerly Invitae), Labcorp).